The following is an entry in ClinVar:

ClinVar aggregate classification (germline): Likely benign. Review status: criteria provided, single submitter (1 of 4 stars). 2 submissions from 2 submitters: Likely benign (1). 1 of the submissions does not count toward it. Last evaluated 2025-04-17.

Conditions:
PRKCSH-related disorder. Also called: PRKCSH-related condition.

Allele frequency attached by ClinVar (database versions not stated): gnomAD 0.00002; ExAC 0.00004; gnomAD exomes 0.00004; TOPMed 0.00005; ESP Exome Variant Server 0.00008.

Submissions (2):

Labcorp Genetics (formerly Invitae), Labcorp
Classification: Likely benign. Last evaluated: 2025-04-17. Review status: criteria provided, single submitter. Criteria: Invitae Variant Classification Sherloc (09022015). Collection method: clinical testing. Allele origin: germline.

PreventionGenetics, part of Exact Sciences
Classification: Likely benign for PRKCSH-related condition. Last evaluated: 2019-07-12. Review status: no assertion criteria provided. Collection method: clinical testing. Allele origin: germline. Not counted in ClinVar's aggregate classification.
Comment: This variant is classified as likely benign based on ACMG/AMP sequence variant interpretation guidelines (Richards et al. 2015 PMID: 25741868, with internal and published modifications).

NM_001289104.2(PRKCSH):c.1386C>T (p.Pro462=)

Gene: PRKCSH (PRKCSH beta subunit of glucosidase II; plus strand). Cytogenetic location: 19p13.2.
Variant type: single nucleotide variant.
Coding change: c.1386C>T on transcript NM_001289104.2 (MANE Select); coding-DNA position 1386, C replaced by T.
Protein change: p.Pro462=; no amino-acid change (proline 462 retained).
Molecular consequence: synonymous variant.
Genome position (GRCh38, 1-based): chr19:11,449,100, C>T. VCF-style: chr19-11449100-C-T. GRCh37 (hg19) VCF-style: chr19-11559915-C-T.
Other names: c.1356C>T, p.Pro452= (NM_001001329.3, NM_001289102.2, NM_001379609.1); c.1386C>T, p.Pro462= (NM_001289103.2); c.1365C>T, p.Pro455= (NM_001379608.1, NM_002743.3).
Identifiers: ClinVar variation 2193499 (VCV002193499.6), dbSNP rs368834600, ClinGen allele CA9213313.